The following is an entry in ClinVar:

ClinVar aggregate classification (germline): Uncertain significance. Review status: criteria provided, multiple submitters, no conflicts (2 of 4 stars). 4 submissions from 4 submitters: Uncertain significance (4). Last evaluated 2023-11-08.

Conditions:
Familial isolated arrhythmogenic right ventricular dysplasia. Identifiers: Orphanet 217656, MedGen C4274968, MONDO:0016342.
Cardiovascular phenotype. Identifiers: MedGen CN230736.
Arrhythmogenic right ventricular dysplasia 11. Also called: Arrhythmogenic right ventricular dysplasia 11 with mild palmoplantar keratoderma and woolly hair; Arrhythmogenic Right Ventricular Dysplasia/Cardiomyopathy11; ARRHYTHMOGENIC RIGHT VENTRICULAR DYSPLASIA, FAMILIAL, 11. Identifiers: MedGen C1864850, MONDO:0012506, OMIM 610476.

Submissions (4):

GeneDx
Classification: Uncertain significance. Last evaluated: 2023-11-08. Review status: criteria provided, single submitter. Criteria: GeneDx Variant Classification Process June 2021. Collection method: clinical testing. Allele origin: germline. Affected: yes.
Comment: Has not been previously published as pathogenic or benign to our knowledge; Not observed at significant frequency in large population cohorts (gnomAD); In silico analysis supports that this missense variant has a deleterious effect on protein structure/function

Labcorp Genetics (formerly Invitae), Labcorp
Classification: Uncertain significance for Arrhythmogenic right ventricular dysplasia 11. Last evaluated: 2023-03-10. Review status: criteria provided, single submitter. Criteria: Invitae Variant Classification Sherloc (09022015). Collection method: clinical testing. Allele origin: germline.
Comment: This variant has not been reported in the literature in individuals affected with DSC2-related conditions. This variant is not present in population databases (gnomAD no frequency). This sequence change replaces glycine, which is neutral and non-polar, with alanine, which is neutral and non-polar, at codon 492 of the DSC2 protein (p.Gly492Ala). ClinVar contains an entry for this variant (Variation ID: 2201501). In summary, the available evidence is currently insufficient to determine the role of this variant in disease. Therefore, it has been classified as a Variant of Uncertain Significance. Advanced modeling of protein sequence and biophysical properties (such as structural, functional, and spatial information, amino acid conservation, physicochemical variation, residue mobility, and thermodynamic stability) performed at Invitae indicates that this missense variant is expected to disrupt DSC2 protein function.

All of Us Research Program, National Institutes of Health
Classification: Uncertain significance for Familial isolated arrhythmogenic right ventricular dysplasia. Last evaluated: 2023-02-24. Review status: criteria provided, single submitter. Criteria: ACMG Guidelines, 2015. Collection method: clinical testing. Allele origin: germline. Inheritance: Autosomal dominant inheritance. Observed: 1 variant allele, 1 heterozygote.
Comment: This missense variant replaces glycine with alanine at codon 492 of the DSC2 protein. Computational prediction suggests that this variant may not impact protein structure and function (internally defined REVEL score threshold <= 0.5, PMID: 27666373). To our knowledge, functional studies have not been reported for this variant. This variant has not been reported in individuals affected with DSC2-related disorders in the literature. This variant has not been identified in the general population by the Genome Aggregation Database (gnomAD). The available evidence is insufficient to determine the role of this variant in disease conclusively. Therefore, this variant is classified as a Variant of Uncertain Significance.

This study involves interpretation of variants in research participants for the purpose of population health screening. Participant phenotype was not available at the time of variant classification. Additional details can be found in publication PMID: 35346344, PMCID: PMC8962531

Ambry Genetics
Classification: Uncertain significance for Cardiovascular phenotype. Last evaluated: 2022-09-28. Review status: criteria provided, single submitter. Criteria: Ambry Variant Classification Scheme 2023. Collection method: clinical testing. Allele origin: germline.

NM_024422.6(DSC2):c.1475G>C (p.Gly492Ala)

Gene: DSC2 (desmocollin 2; minus strand). Cytogenetic location: 18q12.1.
Variant type: single nucleotide variant.
Coding change: c.1475G>C on transcript NM_024422.6 (MANE Select); coding-DNA position 1475, G replaced by C.
Protein change: p.Gly492Ala; replaces glycine 492 with alanine.
Molecular consequence: missense variant.
Genome position (GRCh38, 1-based): chr18:31,080,141, C>G on the plus strand (G>C on the coding strand, the complement: DSC2 is on the minus strand). VCF-style: chr18-31080141-C-G. GRCh37 (hg19) VCF-style: chr18-28660107-C-G.
Other names: c.1475G>C (NM_024422.3); c.1046G>C, p.Gly349Ala (NM_001406506.1, NM_001406507.1); c.1475G>C, p.Gly492Ala (NM_004949.5); short protein forms G349A, G492A.
Identifiers: ClinVar variation 2201501 (VCV002201501.7), dbSNP rs2510946905, ClinGen allele CA402108419.